The following is an entry in ClinVar:

NM_004519.4(KCNQ3):c.57C>A (p.Gly19=)

Gene: KCNQ3 (potassium voltage-gated channel subfamily Q member 3; minus strand). Cytogenetic location: 8q24.22.
Variant type: single nucleotide variant.
Coding change: c.57C>A on transcript NM_004519.4 (MANE Select); coding-DNA position 57, C replaced by A.
Protein change: p.Gly19=; no amino-acid change (glycine 19 retained).
Molecular consequence: synonymous variant.
Genome position (GRCh38, 1-based): chr8:132,480,476, G>T on the plus strand (C>A on the coding strand, the complement: KCNQ3 is on the minus strand). VCF-style: chr8-132480476-G-T. GRCh37 (hg19) VCF-style: chr8-133492723-G-T.
Identifiers: ClinVar variation 386387 (VCV000386387.5), dbSNP rs1057522486, ClinGen allele CA16605313.
Genomic context (GRCh38, chr8:132,480,476, plus strand): 5'-CTCGTCGCCGGCCGCCGCCGCGTCCCCTCCGGCTGGGTTAGCCGCCCCGCCGCCTCCGCC[G>T]CCCCCGTCGCCGCCGCCGCCAGCCGCCCCCGCCGCCCTGCGCGCCTTGAGCCCCATCTGC-3'
Protein context (NP_004510.1, residues 9-29): AGAAGGGGDG[Gly19=]GGGGGAANPA

ClinVar aggregate classification (germline): Likely benign. Review status: criteria provided, multiple submitters, no conflicts (2 of 4 stars). 2 submissions from 2 submitters: Likely benign (2). Last evaluated 2025-08-09.

Conditions:
Benign neonatal seizures. Also called: Benign familial neonatal seizures; Convulsions benign familial neonatal dominant form; Autosomal dominant form of benign neonatal seizures; Benign familial neonatal epilepsy; Benign neonatal familial convulsions. Identifiers: Orphanet 1949, MedGen C0220669, MONDO:0016027.

gnomAD v4.1: 2 of 1,223,576 alleles (0.00016%); highest among the groups gnomAD compares: Non-Finnish European, 0.0002%; no homozygotes.

Submissions (2):

Labcorp Genetics (formerly Invitae), Labcorp
Classification: Likely benign for Benign neonatal seizures. Last evaluated: 2025-08-09. Review status: criteria provided, single submitter. Criteria: Invitae Variant Classification Sherloc (09022015). Collection method: clinical testing. Allele origin: germline.

GeneDx
Classification: Likely benign. Last evaluated: 2016-05-31. Review status: criteria provided, single submitter. Criteria: GeneDx Variant Classification (06012015). Collection method: clinical testing. Allele origin: germline. Affected: yes.
Comment: This variant is considered likely benign or benign based on one or more of the following criteria: it is a conservative change, it occurs at a poorly conserved position in the protein, it is predicted to be benign by multiple in silico algorithms, and/or has population frequency not consistent with disease.